The following is an entry in ClinVar:

NM_012203.2(GRHPR):c.761T>C (p.Leu254Pro)

Gene: GRHPR (glyoxylate and hydroxypyruvate reductase; plus strand). Cytogenetic location: 9p13.2.
Variant type: single nucleotide variant.
Coding change: c.761T>C on transcript NM_012203.2 (MANE Select); coding-DNA position 761, T replaced by C.
Protein change: p.Leu254Pro; replaces leucine 254 with proline.
Molecular consequence: missense variant.
Genome position (GRCh38, 1-based): chr9:37,432,034, T>C. VCF-style: chr9-37432034-T-C. GRCh37 (hg19) VCF-style: chr9-37432031-T-C.
Other names: short protein forms L254P.
Identifiers: ClinVar variation 2671863 (VCV002671863.2), dbSNP rs2489249100, ClinGen allele CA373444400.

ClinVar aggregate classification (germline): Conflicting classifications of pathogenicity. Review status: criteria provided, conflicting classifications (1 of 4 stars). 2 submissions from 2 submitters: Pathogenic (1); Uncertain significance (1). Last evaluated 2025-11-25.

Conditions:
Primary hyperoxaluria, type II (HP2). Also called: Primary hyperoxaluria type 2; D-GLYCERATE DEHYDROGENASE DEFICIENCY; GLYCERIC ACIDURIA; GLYOXYLATE REDUCTASE/HYDROXYPYRUVATE REDUCTASE DEFICIENCY; OXALOSIS II. Identifiers: Orphanet 416, Orphanet 93599, MedGen C0268165, MONDO:0009824, OMIM 260000. Disease mechanism: loss of function.

Submissions (2):

Myriad Genetics, Inc.
Classification: Uncertain significance for Primary hyperoxaluria, type II. Last evaluated: 2025-11-25. Review status: criteria provided, single submitter. Criteria: Myriad Autosomal Dominant, Autosomal Recessive and X-Linked Classification Criteria (2023). Collection method: clinical testing. Allele origin: unknown.
Comment: NM_012203.1(GRHPR):c.761T>C(L254P) is a missense variant classified as a variant of uncertain significance in the context of primary hyperoxaluria type 2. L254P has been observed in cases with relevant disease (PMID: 31685312). Relevant functional assessments of this variant are not available in the literature. L254P has not been observed in referenced population frequency databases. In summary, there is insufficient evidence to classify NM_012203.1(GRHPR):c.761T>C(L254P) as pathogenic or benign. Please note: this variant was assessed in the context of healthy population screening.

Thalassemia Center, San Luigi University Hospital
Classification: Pathogenic for Primary hyperoxaluria, type II. Last evaluated: 2023-10-27. Review status: criteria provided, single submitter. Criteria: ACMG Guidelines, 2015. Collection method: clinical testing. Allele origin: germline. Affected: yes.
Comment: ACMG:PM1 PM2 PP3 PP4 PP5

Literature cited by the submitters: PubMed 31685312 (cited by Myriad Genetics, Inc.).